The following is an entry in ClinVar:

NM_001723.7(DST):c.5972A>G (p.Asn1991Ser)

Gene: DST (dystonin; minus strand). Cytogenetic location: 6p12.1.
Variant type: single nucleotide variant.
Coding change: c.5972A>G on transcript NM_001723.7 (MANE Plus Clinical); coding-DNA position 5972, A replaced by G.
Protein change: p.Asn1991Ser; replaces asparagine 1991 with serine.
Molecular consequence: missense variant. On other transcripts: intron variant (10).
Genome position (GRCh38, 1-based): chr6:56,618,062, T>C on the plus strand (A>G on the coding strand, the complement: DST is on the minus strand). VCF-style: chr6-56618062-T-C. GRCh37 (hg19) VCF-style: chr6-56482860-T-C.
Other names: c.4831-3578A>G (NM_001144769.5); c.4930-3578A>G (NM_001374722.1, NM_001374736.1); c.4957-3578A>G (NM_001374734.1); c.4417-3578A>G (NM_001144770.2); c.4297-3578A>G (NM_001374730.1, NM_001386100.1, NM_183380.4 and 1 more transcripts); c.3319-3578A>G (NM_015548.5); short protein forms N1991S.
Identifiers: ClinVar variation 541489 (VCV000541489.13), dbSNP rs201140563, ClinGen allele CA3870269.

ClinVar aggregate classification (germline): Likely benign. Review status: criteria provided, multiple submitters, no conflicts (2 of 4 stars). 2 submissions from 2 submitters: Likely benign (2). Last evaluated 2025-07-21.

Conditions:
DST-related disorder. Also called: DST-related disorders; DST-related condition.
Epidermolysis bullosa simplex 3, localized or generalized intermediate, with BP230 deficiency (EBS3). Also called: Epidermolysis bullosa simplex due to BP230 deficiency; Epidermolysis bullosa simplex, autosomal recessive 2. Identifiers: Orphanet 412181, MedGen C3809470, MONDO:0014180, OMIM 615425.
Hereditary sensory and autonomic neuropathy type 6. Also called: Neuropathy, hereditary sensory and autonomic, type VI; HSAN VI. Identifiers: Orphanet 314381, MedGen C3539003, MONDO:0013839, OMIM 614653.

Allele frequency attached by ClinVar (database versions not stated): gnomAD exomes 0.00005 and 0.00031; gnomAD 0.00011 and 0.00015; TOPMed 0.00012; ExAC 0.00021; 1000 Genomes Project 30x 0.00094; 1000 Genomes Project 0.00100.
gnomAD v4.1: 116 of 1,614,184 alleles (0.0072%); highest among the groups gnomAD compares: East Asian, 0.21%; no homozygotes.

Submissions (2):

PreventionGenetics, part of Exact Sciences
Classification: Likely benign for DST-related condition. Last evaluated: 2025-07-21. Review status: criteria provided, single submitter. Criteria: ACMG Guidelines, 2015. Collection method: clinical testing. Allele origin: germline.
Comment: This variant is classified as likely benign based on ACMG/AMP sequence variant interpretation guidelines (Richards et al. 2015 PMID: 25741868, with internal and published modifications).

Labcorp Genetics (formerly Invitae), Labcorp
Classification: Likely benign for Epidermolysis bullosa simplex 3, localized or generalized intermediate, with BP230 deficiency; Hereditary sensory and autonomic neuropathy type 6. Last evaluated: 2024-10-21. Review status: criteria provided, single submitter. Criteria: Invitae Variant Classification Sherloc (09022015). Collection method: clinical testing. Allele origin: germline.